The following is an entry in ClinVar:

NM_001080432.3(FTO):c.238C>T (p.Arg80Trp)

Gene: FTO (FTO alpha-ketoglutarate dependent dioxygenase; plus strand). Cytogenetic location: 16q12.2.
Variant type: single nucleotide variant.
Coding change: c.238C>T on transcript NM_001080432.3 (MANE Select); coding-DNA position 238, C replaced by T.
Protein change: p.Arg80Trp; replaces arginine 80 with tryptophan.
Molecular consequence: missense variant.
Genome position (GRCh38, 1-based): chr16:53,825,978, C>T. VCF-style: chr16-53825978-C-T. GRCh37 (hg19) VCF-style: chr16-53859890-C-T.
Other names: c.238C>T (NM_001080432.2); c.238C>T, p.Arg80Trp (NM_001363891.2, NM_001363894.2, NM_001363896.2 and 6 more transcripts); c.160C>T, p.Arg54Trp (NM_001363897.2); c.-276C>T (NM_001363905.2); short protein forms R54W, R80W.
Identifiers: ClinVar variation 1184333 (VCV001184333.7), dbSNP rs140101381, ClinGen allele CA8058338.

ClinVar aggregate classification (germline): Uncertain significance. Review status: criteria provided, multiple submitters, no conflicts (2 of 4 stars). 3 submissions from 3 submitters: Uncertain significance (3). Last evaluated 2025-01-06.

Conditions:
Inborn genetic diseases. Identifiers: MedGen C0950123, MeSH D030342.
Lethal polymalformative syndrome, Boissel type. Also called: GROWTH RETARDATION, DEVELOPMENTAL DELAY, AND FACIAL DYSMORPHISM. Identifiers: Orphanet 210144, MedGen C2752001, MONDO:0013050, OMIM 612938.

Allele frequency attached by ClinVar (database versions not stated): ESP Exome Variant Server 0.00008; gnomAD exomes 0.00011 and 0.00013; ExAC 0.00013; 1000 Genomes Project 30x 0.00016; gnomAD 0.00017; 1000 Genomes Project 0.00020; TOPMed 0.00043.
gnomAD v4.1: 230 of 1,614,130 alleles (0.014%); highest among the groups gnomAD compares: Admixed American, 0.067%; no homozygotes.

Submissions (3):

Labcorp Genetics (formerly Invitae), Labcorp
Classification: Uncertain significance. Last evaluated: 2025-01-06. Review status: criteria provided, single submitter. Criteria: Invitae Variant Classification Sherloc (09022015). Collection method: clinical testing. Allele origin: germline.
Comment: This sequence change replaces arginine, which is basic and polar, with tryptophan, which is neutral and slightly polar, at codon 80 of the FTO protein (p.Arg80Trp). This variant is present in population databases (rs140101381, gnomAD 0.03%). This variant has not been reported in the literature in individuals affected with FTO-related conditions. ClinVar contains an entry for this variant (Variation ID: 1184333). Invitae Evidence Modeling of protein sequence and biophysical properties (such as structural, functional, and spatial information, amino acid conservation, physicochemical variation, residue mobility, and thermodynamic stability) indicates that this missense variant is not expected to disrupt FTO protein function with a negative predictive value of 80%. In summary, the available evidence is currently insufficient to determine the role of this variant in disease. Therefore, it has been classified as a Variant of Uncertain Significance.

Ambry Genetics
Classification: Uncertain significance for Inborn genetic diseases. Last evaluated: 2021-07-27. Review status: criteria provided, single submitter. Criteria: Ambry Variant Classification Scheme 2023. Collection method: clinical testing. Allele origin: germline.

New York Genome Center
Classification: Uncertain significance for Lethal polymalformative syndrome, Boissel type. Last evaluated: 2020-06-29. Review status: criteria provided, single submitter. Criteria: NYGC Assertion Criteria 2020. Collection method: clinical testing. Allele origin: inherited. Observed: 1 heterozygote. Study: CSER-NYCKidSeq.